The following is an entry in ClinVar:

NM_000098.3(CPT2):c.1364T>A (p.Phe455Tyr)

Gene: CPT2 (carnitine palmitoyltransferase 2; plus strand). Cytogenetic location: 1p32.3.
Variant type: single nucleotide variant.
Coding change: c.1364T>A on transcript NM_000098.3 (MANE Select); coding-DNA position 1364, T replaced by A.
Protein change: p.Phe455Tyr; replaces phenylalanine 455 with tyrosine.
Molecular consequence: missense variant.
Genome position (GRCh38, 1-based): chr1:53,211,038, T>A. VCF-style: chr1-53211038-T-A. GRCh37 (hg19) VCF-style: chr1-53676710-T-A.
Other names: c.1364T>A, p.Phe455Tyr (NM_001330589.2); c.1364T>A (NM_000098.2); short protein forms F455Y.
Identifiers: ClinVar variation 1440328 (VCV001440328.7), dbSNP rs1645423118, ClinGen allele CA340395295.
Genomic context (GRCh38, chr1:53,211,038, plus strand): 5'-ATGCCACCATGAAAACCCTCACTATTGACTGCGTCCAGTTTCAGAGAGGAGGCAAAGAAT[T>A]CCTGAAGAAGCAAAAGCTGAGCCCTGACGCAGTTGCCCAGCTGGCATTCCAGATGGCCTT-3'
Protein context (NP_000089.1, residues 445-465): CVQFQRGGKE[Phe455Tyr]LKKQKLSPDA

ClinVar aggregate classification (germline): Uncertain significance. Review status: criteria provided, multiple submitters, no conflicts (2 of 4 stars). 2 submissions from 2 submitters: Uncertain significance (2). Last evaluated 2025-09-10.

Conditions:
Inborn genetic diseases. Identifiers: MedGen C0950123, MeSH D030342.
Carnitine palmitoyltransferase II deficiency. Also called: Carnitine Palmitoyltransferase 2 Deficiency. Identifiers: Orphanet 157, MedGen C0342790, MONDO:0015515.

Submissions (2):

Ambry Genetics
Classification: Uncertain significance for Inborn genetic diseases. Last evaluated: 2025-09-10. Review status: criteria provided, single submitter. Criteria: Ambry Variant Classification Scheme 2023. Collection method: clinical testing. Allele origin: germline.

Labcorp Genetics (formerly Invitae), Labcorp
Classification: Uncertain significance for Carnitine palmitoyltransferase II deficiency. Last evaluated: 2021-12-01. Review status: criteria provided, single submitter. Criteria: Invitae Variant Classification Sherloc (09022015). Collection method: clinical testing. Allele origin: germline.
Comment: Advanced modeling of protein sequence and biophysical properties (such as structural, functional, and spatial information, amino acid conservation, physicochemical variation, residue mobility, and thermodynamic stability) performed at Invitae indicates that this missense variant is not expected to disrupt CPT2 protein function. This variant has not been reported in the literature in individuals affected with CPT2-related conditions. In summary, the available evidence is currently insufficient to determine the role of this variant in disease. Therefore, it has been classified as a Variant of Uncertain Significance. This variant is not present in population databases (gnomAD no frequency). This sequence change replaces phenylalanine, which is neutral and non-polar, with tyrosine, which is neutral and polar, at codon 455 of the CPT2 protein (p.Phe455Tyr).